The following is an entry in ClinVar:

ClinVar aggregate classification (germline): Pathogenic (1 of 4 stars; one submission).

Conditions:
Weiss-Kruszka syndrome. Also called: Metopic ridging-ptosis-facial dysmorphism syndrome. Identifiers: Orphanet 502430, MedGen C5568107, MONDO:0032836, OMIM 618619.

Submission:

Institute of Human Genetics, University of Leipzig Medical Center
Classification: Pathogenic for Weiss-Kruszka syndrome. Last evaluated: 2021-09-20. Review status: criteria provided, single submitter. Criteria: ACMG Guidelines, 2015. Collection method: clinical testing. Allele origin: de novo. Affected: yes.
Comment: This variant was identified as de novo (maternity and paternity confirmed).

NM_021224.6(ZNF462):c.220+1G>A

Gene: ZNF462 (zinc finger protein 462; plus strand). Cytogenetic location: 9q31.2.
Variant type: single nucleotide variant.
Coding change: c.220+1G>A on transcript NM_021224.6 (MANE Select); the canonical splice donor site of the intron after coding-DNA position 220, G replaced by A.
Molecular consequence: splice donor variant.
Genome position (GRCh38, 1-based): chr9:106,923,604, G>A. VCF-style: chr9-106923604-G-A. GRCh37 (hg19) VCF-style: chr9-109685885-G-A.
Other names: c.220+1G>A (NM_001347997.2).
Identifiers: ClinVar variation 1299321 (VCV001299321.1), dbSNP rs2131431481, ClinGen allele CA374381701.